The following is an entry in ClinVar:

NM_005592.4(MUSK):c.360A>C (p.Lys120Asn)

Gene: MUSK (muscle associated receptor tyrosine kinase; plus strand). Cytogenetic location: 9q31.3.
Variant type: single nucleotide variant.
Coding change: c.360A>C on transcript NM_005592.4 (MANE Select); coding-DNA position 360, A replaced by C.
Protein change: p.Lys120Asn; replaces lysine 120 with asparagine.
Molecular consequence: missense variant.
Genome position (GRCh38, 1-based): chr9:110,695,404, A>C. VCF-style: chr9-110695404-A-C. GRCh37 (hg19) VCF-style: chr9-113457684-A-C.
Other names: c.360A>C, p.Lys120Asn (NM_001166280.2, NM_001166281.2); short protein forms K120N.
Identifiers: ClinVar variation 1523106 (VCV001523106.5), dbSNP rs1318631379, ClinGen allele CA374664714.

ClinVar aggregate classification (germline): Uncertain significance (1 of 4 stars; one submission).

Conditions:
Fetal akinesia deformation sequence 1 (FADS1). Also called: Pena-Shokeir syndrome type I; Fetal akinesia sequence. Identifiers: Orphanet 994, MedGen C1276035, MONDO:0100101, OMIM 208150, HP:0001989.
Congenital myasthenic syndrome 9. Also called: Myasthenic syndrome, congenital, 9, associated with acetylcholine receptor deficiency. Identifiers: Orphanet 590, MedGen C4225368, MONDO:0014587, OMIM 616325.

Submission:

Labcorp Genetics (formerly Invitae), Labcorp
Classification: Uncertain significance for Congenital myasthenic syndrome 9; Fetal akinesia deformation sequence 1. Last evaluated: 2021-08-13. Review status: criteria provided, single submitter. Criteria: Invitae Variant Classification Sherloc (09022015). Collection method: clinical testing. Allele origin: germline.
Comment: This sequence change replaces lysine with asparagine at codon 120 of the MUSK protein (p.Lys120Asn). The lysine residue is moderately conserved and there is a moderate physicochemical difference between lysine and asparagine. This variant is not present in population databases (ExAC no frequency). This variant has not been reported in the literature in individuals affected with MUSK-related conditions. Algorithms developed to predict the effect of missense changes on protein structure and function are either unavailable or do not agree on the potential impact of this missense change (SIFT: "Deleterious"; PolyPhen-2: "Possibly Damaging"; Align-GVGD: "Class C0"). In summary, the available evidence is currently insufficient to determine the role of this variant in disease. Therefore, it has been classified as a Variant of Uncertain Significance.